The following is an entry in ClinVar:

ClinVar aggregate classification (germline): Uncertain significance (1 of 4 stars; one submission).

Allele frequency attached by ClinVar (database versions not stated): gnomAD exomes below 0.00001.

Submission:

Labcorp Genetics (formerly Invitae), Labcorp
Classification: Uncertain significance. Last evaluated: 2023-11-10. Review status: criteria provided, single submitter. Criteria: Invitae Variant Classification Sherloc (09022015). Collection method: clinical testing. Allele origin: germline.
Comment: This sequence change replaces glycine, which is neutral and non-polar, with arginine, which is basic and polar, at codon 2314 of the PIEZO1 protein (p.Gly2314Arg). This variant is not present in population databases (gnomAD no frequency). This variant has not been reported in the literature in individuals affected with PIEZO1-related conditions. Advanced modeling of protein sequence and biophysical properties (such as structural, functional, and spatial information, amino acid conservation, physicochemical variation, residue mobility, and thermodynamic stability) performed at Invitae indicates that this missense variant is expected to disrupt PIEZO1 protein function with a positive predictive value of 80%. In summary, the available evidence is currently insufficient to determine the role of this variant in disease. Therefore, it has been classified as a Variant of Uncertain Significance.

NM_001142864.4(PIEZO1):c.6940G>A (p.Gly2314Arg)

Gene: PIEZO1 (piezo type mechanosensitive ion channel component 1 (Er blood group); minus strand). Cytogenetic location: 16q24.3.
Variant type: single nucleotide variant.
Coding change: c.6940G>A on transcript NM_001142864.4 (MANE Select); coding-DNA position 6940, G replaced by A.
Protein change: p.Gly2314Arg; replaces glycine 2314 with arginine.
Molecular consequence: missense variant.
Genome position (GRCh38, 1-based): chr16:88,716,470, C>T on the plus strand (G>A on the coding strand, the complement: PIEZO1 is on the minus strand). VCF-style: chr16-88716470-C-T. GRCh37 (hg19) VCF-style: chr16-88782878-C-T.
Other names: c.5482G>A, p.Gly1828Arg (NM_014745.1); short protein forms G1828R, G2314R.
Identifiers: ClinVar variation 2694838 (VCV002694838.3), dbSNP rs2507824023, ClinGen allele CA397075096.